The following is an entry in ClinVar:

NM_001290043.2(TAP2):c.331C>T (p.Leu111Phe)

Gene: TAP2 (transporter 2, ATP binding cassette subfamily B member; minus strand). Cytogenetic location: 6p21.32.
Variant type: single nucleotide variant.
Coding change: c.331C>T on transcript NM_001290043.2 (MANE Select); coding-DNA position 331, C replaced by T.
Protein change: p.Leu111Phe; replaces leucine 111 with phenylalanine.
Molecular consequence: missense variant.
Genome position (GRCh38, 1-based): chr6:32,837,903, G>A on the plus strand (C>T on the coding strand, the complement: TAP2 is on the minus strand). VCF-style: chr6-32837903-G-A. GRCh37 (hg19) VCF-style: chr6-32805680-G-A.
Other names: c.331C>T, p.Leu111Phe (NM_000544.3, NM_018833.3); short protein forms L111F.
Identifiers: ClinVar variation 841860 (VCV000841860.8), dbSNP rs761364876, ClinGen allele CA3746177.

ClinVar aggregate classification (germline): Uncertain significance (1 of 4 stars; one submission).

Conditions:
MHC class I deficiency. Identifiers: Orphanet 34592, MedGen C6024714, MONDO:0011476.

Allele frequency attached by ClinVar (database versions not stated): TOPMed 0.00002; ExAC 0.00003; gnomAD exomes 0.00002 and 0.00004; gnomAD 0.00001.
gnomAD v4.1: 24 of 1,611,992 alleles (0.0015%); highest among the groups gnomAD compares: East Asian, 0.051%; no homozygotes.

Submission:

Labcorp Genetics (formerly Invitae), Labcorp
Classification: Uncertain significance for MHC class I deficiency 1. Last evaluated: 2025-02-17. Review status: criteria provided, single submitter. Criteria: Invitae Variant Classification Sherloc (09022015). Collection method: clinical testing. Allele origin: germline.
Comment: This sequence change replaces leucine, which is neutral and non-polar, with phenylalanine, which is neutral and non-polar, at codon 111 of the TAP2 protein (p.Leu111Phe). This variant is present in population databases (rs761364876, gnomAD 0.05%). This variant has not been reported in the literature in individuals affected with TAP2-related conditions. ClinVar contains an entry for this variant (Variation ID: 841860). Experimental studies and prediction algorithms are not available or were not evaluated, and the functional significance of this variant is currently unknown. In summary, the available evidence is currently insufficient to determine the role of this variant in disease. Therefore, it has been classified as a Variant of Uncertain Significance.